The following is an entry in ClinVar:

NM_024079.5(ALG8):c.1038+223_1038+224del

Gene: ALG8 (ALG8 alpha-1,3-glucosyltransferase; minus strand). Cytogenetic location: 11q14.1.
Variant type: Deletion.
Coding change: c.1038+223_1038+224del on transcript NM_024079.5 (MANE Select); bases 223 to 224 of the intron after coding-DNA position 1038, 2 bases deleted (GT; older notation c.1038+223_1038+224delGT).
Molecular consequence: intron variant.
Genome position (GRCh38, 1-based): chr11:78,109,218-78,109,219, AC deleted on the plus strand (GT on the coding strand, the reverse complement: ALG8 is on the minus strand); deleting any 2 consecutive bases within chr11:78,109,218-78,109,220 gives the same sequence; the c. name uses the placement nearest the transcript's 3' end. VCF-style (leftmost placement, unchanged base first): chr11-78109217-AAC-A. GRCh37 (hg19) VCF-style: chr11-77820263-AAC-A.
Other names: c.1038+223_1038+224del (NM_001007027.3).
Identifiers: ClinVar variation 2574716 (VCV002574716.1), dbSNP rs549828664, ClinGen allele CA224907428.

ClinVar aggregate classification (germline): Likely benign (1 of 4 stars; one submission).

Submission:

GeneDx
Classification: Likely benign. Last evaluated: 2019-10-06. Review status: criteria provided, single submitter. Criteria: GeneDx Variant Classification Process June 2021. Collection method: clinical testing. Allele origin: germline. Affected: yes.
Comment: See Variant Classification Assertion Criteria.